The following is an entry in ClinVar:

ClinVar aggregate classification (germline): Uncertain significance. Review status: criteria provided, multiple submitters, no conflicts (2 of 4 stars). 3 submissions from 3 submitters: Uncertain significance (3). Last evaluated 2025-10-16.

Conditions:
Hereditary cancer-predisposing syndrome. Also called: Hereditary Cancer Syndrome; Neoplastic Syndromes, Hereditary; Tumor predisposition; Hereditary neoplastic syndrome. Identifiers: Orphanet 140162, MedGen C0027672, MeSH D009386, MONDO:0015356.
Ataxia-telangiectasia-like disorder 1 (ATLD1). Identifiers: Orphanet 251347, MedGen C4012790, MONDO:0024557, OMIM 604391.

Allele frequency attached by ClinVar (database versions not stated): ExAC 0.00001; gnomAD exomes 0.00001.
gnomAD v4.1: 3 of 1,614,052 alleles (0.00019%); highest among the groups gnomAD compares: Non-Finnish European, 0.00025%; no homozygotes.

Submissions (3):

Ambry Genetics
Classification: Uncertain significance for Hereditary cancer-predisposing syndrome. Last evaluated: 2025-10-16. Review status: criteria provided, single submitter. Criteria: Ambry Variant Classification Scheme 2023. Collection method: clinical testing. Allele origin: germline.
Comment: The p.K486E variant (also known as c.1456A>G), located in coding exon 12 of the MRE11A gene, results from an A to G substitution at nucleotide position 1456. The lysine at codon 486 is replaced by glutamic acid, an amino acid with similar properties. This amino acid position is well conserved in available vertebrate species. In addition, the in silico prediction for this alteration is inconclusive. Since supporting evidence is limited at this time, the clinical significance of this alteration remains unclear.

Quest Diagnostics Nichols Institute San Juan Capistrano
Classification: Uncertain significance. Last evaluated: 2024-08-08. Review status: criteria provided, single submitter. Criteria: Quest Diagnostics criteria. Collection method: clinical testing. Allele origin: unknown.

Baylor Genetics
Classification: Uncertain significance for Ataxia-telangiectasia-like disorder 1. Last evaluated: 2018-07-24. Review status: criteria provided, single submitter. Criteria: ACMG Guidelines, 2015. Collection method: clinical testing. Allele origin: unknown. Affected: yes.
Comment: This variant was determined to be of uncertain significance according to ACMG Guidelines, 2015 [PMID:25741868].

NM_005591.4(MRE11):c.1456A>G (p.Lys486Glu)

Gene: MRE11 (MRE11 double strand break repair nuclease; minus strand). Cytogenetic location: 11q21.
Variant type: single nucleotide variant.
Coding change: c.1456A>G on transcript NM_005591.4 (MANE Select); coding-DNA position 1456, A replaced by G.
Protein change: p.Lys486Glu; replaces lysine 486 with glutamic acid.
Molecular consequence: missense variant.
Genome position (GRCh38, 1-based): chr11:94,459,452, T>C on the plus strand (A>G on the coding strand, the complement: MRE11 is on the minus strand). VCF-style: chr11-94459452-T-C. GRCh37 (hg19) VCF-style: chr11-94192618-T-C.
Other names: c.1456A>G, p.Lys486Glu (NM_001330347.2, NM_005590.4); short protein forms K486E.
Identifiers: ClinVar variation 479762 (VCV000479762.8), dbSNP rs767896176, ClinGen allele CA6235077.